The following is an entry in ClinVar:

NM_001382347.1(MYO5A):c.2584C>T (p.Arg862Cys)

Gene: MYO5A (myosin VA; minus strand). Cytogenetic location: 15q21.2.
Variant type: single nucleotide variant.
Coding change: c.2584C>T on transcript NM_001382347.1 (MANE Select); coding-DNA position 2584, C replaced by T.
Protein change: p.Arg862Cys; replaces arginine 862 with cysteine.
Molecular consequence: missense variant.
Genome position (GRCh38, 1-based): chr15:52,372,357, G>A on the plus strand (C>T on the coding strand, the complement: MYO5A is on the minus strand). VCF-style: chr15-52372357-G-A. GRCh37 (hg19) VCF-style: chr15-52664554-G-A.
Other names: c.2584C>T, p.Arg862Cys (NM_000259.3, NM_001142495.2); c.2656C>T, p.Arg886Cys (NM_001382348.1, NM_001382349.1); short protein forms R862C, R886C.
Identifiers: ClinVar variation 1049460 (VCV001049460.6), dbSNP rs1212921365, ClinGen allele CA392521196.

ClinVar aggregate classification (germline): Uncertain significance. Review status: criteria provided, single submitter (1 of 4 stars). 2 submissions from 2 submitters: Uncertain significance (1). 1 of the submissions does not count toward it. Last evaluated 2025-03-03.

Allele frequency attached by ClinVar (database versions not stated): TOPMed below 0.00001; gnomAD 0.00001; gnomAD exomes 0.00001.
gnomAD v4.1: 11 of 1,601,370 alleles (0.00069%); highest among the groups gnomAD compares: Admixed American, 0.0033%; no homozygotes.

Submissions (2):

Labcorp Genetics (formerly Invitae), Labcorp
Classification: Uncertain significance. Last evaluated: 2025-03-03. Review status: criteria provided, single submitter. Criteria: Invitae Variant Classification Sherloc (09022015). Collection method: clinical testing. Allele origin: germline.
Comment: This sequence change replaces arginine, which is basic and polar, with cysteine, which is neutral and slightly polar, at codon 862 of the MYO5A protein (p.Arg862Cys). The frequency data for this variant in the population databases is considered unreliable, as metrics indicate poor data quality at this position in the gnomAD database. This variant has not been reported in the literature in individuals affected with MYO5A-related conditions. ClinVar contains an entry for this variant (Variation ID: 1049460). Invitae Evidence Modeling of protein sequence and biophysical properties (such as structural, functional, and spatial information, amino acid conservation, physicochemical variation, residue mobility, and thermodynamic stability) indicates that this missense variant is not expected to disrupt MYO5A protein function with a negative predictive value of 80%. In summary, the available evidence is currently insufficient to determine the role of this variant in disease. Therefore, it has been classified as a Variant of Uncertain Significance.

Department of Pathology and Laboratory Medicine, Sinai Health System
Classification: Uncertain significance. Review status: no assertion criteria provided. Collection method: clinical testing. Allele origin: unknown. Affected: yes. Study: The Canadian Open Genetics Repository (COGR). Not counted in ClinVar's aggregate classification.
Comment: The MYO5A p.Arg862Cys variant was not identified in the literature nor was it identified in ClinVar. The variant was identified in dbSNP (ID: rs1212921365) and in control databases in 2 of 239200 chromosomes at a frequency of 0.000008361 (Genome Aggregation Database March 6, 2019, v2.1.1). The variant was observed in the following populations: African in 1 of 15360 chromosomes (freq: 0.000065) and Latino in 1 of 34408 chromosomes (freq: 0.000029), but was not observed in the Ashkenazi Jewish, East Asian, European (Finnish), European (non-Finnish), Other, or South Asian populations. The p.Arg862 residue is conserved in mammals and computational analyses (PolyPhen-2, SIFT, AlignGVGD, BLOSUM, MutationTaster) provide inconsistent predictions regarding the impact to the protein; this information is not very predictive of pathogenicity. The variant occurs outside of the splicing consensus sequence and in silico or computational prediction software programs (SpliceSiteFinder, MaxEntScan, NNSPLICE, GeneSplicer) do not predict a difference in splicing. In summary, based on the above information the clinical significance of this variant cannot be determined with certainty at this time. This variant is classified as a variant of uncertain significance.